The following is an entry in ClinVar:

ClinVar aggregate classification (germline): Uncertain significance. Review status: criteria provided, multiple submitters, no conflicts (2 of 4 stars). 2 submissions from 2 submitters: Uncertain significance (2). Last evaluated 2024-12-07.

Conditions:
Pheochromocytoma. Also called: MAX-Related Hereditary Paraganglioma-Pheochromocytoma Syndrome. Identifiers: Orphanet 29072, MedGen C0031511, MONDO:0008233, OMIM 171300, HP:0002666.
Pheochromocytoma/paraganglioma syndrome 4. Also called: PHEOCHROMOCYTOMA, FAMILIAL EXTRAADRENAL; CAROTID BODY TUMORS AND MULTIPLE EXTRAADRENAL PHEOCHROMOCYTOMAS; PARAGANGLIOMA, FAMILIAL MALIGNANT; PARAGANGLIOMAS, HEREDITARY EXTRAADRENAL; Paragangliomas 4; SDHB-Related Hereditary Paraganglioma-Pheochromocytoma Syndrome (Paragangliomas 4). Identifiers: Orphanet 29072, MedGen C1861848, MONDO:0007273, OMIM 115310.
Gastrointestinal stromal tumor. Also called: Gastrointestinal stromal tumor, somatic; Gastrointestinal stroma tumor. Identifiers: Orphanet 44890, MedGen C0238198, MeSH D046152, MONDO:0011719, OMIM 606764, HP:0100723.
Hereditary cancer-predisposing syndrome. Also called: Tumor predisposition; Neoplastic Syndromes, Hereditary; Hereditary Cancer Syndrome; Hereditary neoplastic syndrome. Identifiers: Orphanet 140162, MedGen C0027672, MeSH D009386, MONDO:0015356.

Submissions (2):

Ambry Genetics
Classification: Uncertain significance for Hereditary cancer-predisposing syndrome. Last evaluated: 2024-12-07. Review status: criteria provided, single submitter. Criteria: Ambry Variant Classification Scheme 2023. Collection method: clinical testing. Allele origin: germline.
Comment: The p.L9F variant (also known as c.27G>C), located in coding exon 1 of the SDHB gene, results from a G to C substitution at nucleotide position 27. The leucine at codon 9 is replaced by phenylalanine, an amino acid with highly similar properties. This amino acid position is conserved. In addition, the in silico prediction for this alteration is inconclusive. Based on the available evidence, the clinical significance of this variant remains unclear.

Labcorp Genetics (formerly Invitae), Labcorp
Classification: Uncertain significance for Gastrointestinal stromal tumor; Pheochromocytoma/paraganglioma syndrome 4; Pheochromocytoma. Last evaluated: 2021-02-07. Review status: criteria provided, single submitter. Criteria: Invitae Variant Classification Sherloc (09022015). Collection method: clinical testing. Allele origin: germline.
Comment: In summary, the available evidence is currently insufficient to determine the role of this variant in disease. Therefore, it has been classified as a Variant of Uncertain Significance. Algorithms developed to predict the effect of sequence changes on RNA splicing suggest that this variant may create or strengthen a splice site, but this prediction has not been confirmed by published transcriptional studies. Advanced modeling of protein sequence and biophysical properties (such as structural, functional, and spatial information, amino acid conservation, physicochemical variation, residue mobility, and thermodynamic stability) performed at Invitae indicates that this missense variant is not expected to disrupt SDHB protein function. This variant has not been reported in the literature in individuals with SDHB-related conditions. This variant is not present in population databases (ExAC no frequency). This sequence change replaces leucine with phenylalanine at codon 9 of the SDHB protein (p.Leu9Phe). The leucine residue is highly conserved and there is a small physicochemical difference between leucine and phenylalanine.

NM_003000.3(SDHB):c.27G>C (p.Leu9Phe)

Gene: SDHB (succinate dehydrogenase complex iron sulfur subunit B; minus strand). Cytogenetic location: 1p36.13.
Variant type: single nucleotide variant.
Coding change: c.27G>C on transcript NM_003000.3 (MANE Select); coding-DNA position 27, G replaced by C.
Protein change: p.Leu9Phe; replaces leucine 9 with phenylalanine.
Molecular consequence: missense variant.
Genome position (GRCh38, 1-based): chr1:17,053,993, C>G on the plus strand (G>C on the coding strand, the complement: SDHB is on the minus strand). VCF-style: chr1-17053993-C-G. GRCh37 (hg19) VCF-style: chr1-17380488-C-G.
Other names: c.27G>C (NM_003000.2); short protein forms L9F.
Identifiers: ClinVar variation 1508193 (VCV001508193.9), dbSNP rs2101551820, ClinGen allele CA338230839.